The following is an entry in ClinVar:

ClinVar aggregate classification (germline): Uncertain significance (1 of 4 stars; one submission).

Allele frequency attached by ClinVar (database versions not stated): gnomAD 0.00001; gnomAD exomes 0.00001; ExAC 0.00003.
gnomAD v4.1: 5 of 1,609,400 alleles (0.00031%); highest among the groups gnomAD compares: African/African-American, 0.0013%; no homozygotes.

Submission:

Labcorp Genetics (formerly Invitae), Labcorp
Classification: Uncertain significance. Last evaluated: 2023-12-01. Review status: criteria provided, single submitter. Criteria: Invitae Variant Classification Sherloc (09022015). Collection method: clinical testing. Allele origin: germline.
Comment: This sequence change replaces arginine, which is basic and polar, with tryptophan, which is neutral and slightly polar, at codon 569 of the PACS2 protein (p.Arg569Trp). This variant is present in population databases (rs782038571, gnomAD 0.005%). This variant has not been reported in the literature in individuals affected with PACS2-related conditions. Advanced modeling of protein sequence and biophysical properties (such as structural, functional, and spatial information, amino acid conservation, physicochemical variation, residue mobility, and thermodynamic stability) performed at Invitae indicates that this missense variant is not expected to disrupt PACS2 protein function with a negative predictive value of 80%. In summary, the available evidence is currently insufficient to determine the role of this variant in disease. Therefore, it has been classified as a Variant of Uncertain Significance.

NM_001100913.3(PACS2):c.1705C>T (p.Arg569Trp)

Gene: PACS2 (phosphofurin acidic cluster sorting protein 2; plus strand). Cytogenetic location: 14q32.33.
Variant type: single nucleotide variant.
Coding change: c.1705C>T on transcript NM_001100913.3 (MANE Select); coding-DNA position 1705, C replaced by T.
Protein change: p.Arg569Trp; replaces arginine 569 with tryptophan.
Molecular consequence: missense variant.
Genome position (GRCh38, 1-based): chr14:105,383,438, C>T. VCF-style: chr14-105383438-C-T. GRCh37 (hg19) VCF-style: chr14-105849775-C-T.
Other names: c.1468C>T, p.Arg490Trp (NM_001243127.3); c.1693C>T, p.Arg565Trp (NM_015197.4); short protein forms R490W, R565W, R569W.
Identifiers: ClinVar variation 2966814 (VCV002966814.3), dbSNP rs782038571, ClinGen allele CA7388965.